The following is an entry in ClinVar:

ClinVar aggregate classification (germline): Benign/Likely benign. Review status: criteria provided, multiple submitters, no conflicts (2 of 4 stars). 10 submissions from 10 submitters: Benign (3); Likely benign (6). 1 of the submissions does not count toward it. Last evaluated 2026-01-27.

Conditions:
CDKN2A-related disorder. Also called: CDKN2A-related condition.
Familial melanoma. Also called: Hereditary melanoma; Hereditary cutaneous melanoma. Identifiers: Orphanet 618, MedGen C1512419, MONDO:0018961.
Hereditary cancer-predisposing syndrome. Also called: Neoplastic Syndromes, Hereditary; Tumor predisposition; Hereditary Cancer Syndrome; Hereditary neoplastic syndrome. Identifiers: Orphanet 140162, MedGen C0027672, MeSH D009386, MONDO:0015356.

Allele frequency attached by ClinVar (database versions not stated): gnomAD 0.00004 and 0.00009; TOPMed 0.00006; ExAC 0.00008; gnomAD exomes 0.00008 and 0.00021.
gnomAD v4.1: 306 of 1,611,984 alleles (0.019%); highest among the groups gnomAD compares: East Asian, 0.67%; 2 homozygotes.

Submissions (10):

Labcorp Genetics (formerly Invitae), Labcorp
Classification: Benign for Familial melanoma. Last evaluated: 2026-01-27. Review status: criteria provided, single submitter. Criteria: Invitae Variant Classification Sherloc (09022015). Collection method: clinical testing. Allele origin: germline.

PreventionGenetics, part of Exact Sciences
Classification: Likely benign for CDKN2A-related condition. Last evaluated: 2025-09-24. Review status: criteria provided, single submitter. Criteria: ACMG Guidelines, 2015. Collection method: clinical testing. Allele origin: germline.
Comment: This variant is classified as likely benign based on ACMG/AMP sequence variant interpretation guidelines (Richards et al. 2015 PMID: 25741868, with internal and published modifications).

Center for Genomic Medicine, Rigshospitalet, Copenhagen University Hospital
Classification: Likely benign. Last evaluated: 2025-03-04. Review status: criteria provided, single submitter. Criteria: ACMG Guidelines, 2015. Collection method: clinical testing. Allele origin: germline.

Sema4
Classification: Likely benign for Hereditary cancer-predisposing syndrome. Last evaluated: 2020-12-02. Review status: criteria provided, single submitter. Criteria: Sema4 Curation Guidelines. Collection method: curation. Allele origin: germline.

Quest Diagnostics Nichols Institute San Juan Capistrano
Classification: Benign. Last evaluated: 2020-01-28. Review status: criteria provided, single submitter. Criteria: Quest Diagnostics criteria. Collection method: clinical testing. Allele origin: unknown.

GeneDx
Classification: Likely benign. Last evaluated: 2019-09-17. Review status: criteria provided, single submitter. Criteria: GeneDx Variant Classification Process June 2021. Collection method: clinical testing. Allele origin: germline. Affected: yes.
Comment: This variant is associated with the following publications: (PMID: 7478613, 1648379, 9132280, 7632931, 2877398, 7614482)

Women's Health and Genetics/Laboratory Corporation of America, LabCorp
Classification: Benign. Last evaluated: 2019-01-29. Review status: criteria provided, single submitter. Criteria: LabCorp Variant Classification Summary - May 2015. Collection method: clinical testing. Allele origin: germline.
Comment: Variant summary: CDKN2A c.405G>A alters a non-conserved nucleotide resulting in a synonymous change. 5/5 computational tools predict no significant impact on normal splicing. However, these predictions have yet to be confirmed by functional studies. The variant allele was found at a frequency of 8.1e-05 in 272432 control chromosomes, predominantly within the East Asian subpopulation at a frequency of 0.0011 in the gnomAD database. The observed variant frequency within East Asian control individuals in the gnomAD database is approximately 3.7 fold of the estimated maximal expected allele frequency for a pathogenic variant in CDKN2A causing Cutaneous Malignant Melanoma phenotype (0.0003), suggesting that the variant is a benign polymorphism found primarily in populations of East Asian origin. Moreover, the variant was also reported in Japanese healthy controls with a frequency of 0.0108 that is approximately 36-fold of the estimated maximal expected allele frequency for a pathogenic variant in CDKN2A causing Cutaneous Malignant Melanoma phenotype (0.0003), strongly suggesting that the variant is a benign polymorphism found primarily in populations of East Asian/Japanese origin (HGVD). The variant, c.405G>A, has been reported in the literature in individuals from the Japanese population, who were affected with different types of cancer, however without evidence supporting causality (Igaki_1995, Ohnishi_1995, Morita_1998, Takahira_2004). To our knowledge, no experimental evidence demonstrating an impact on protein function has been reported. Five clinical diagnostic laboratories have submitted clinical-significance assessments for this variant to ClinVar after 2014 without evidence for independent evaluation. All laboratories classified the variant as benign (1x) / likely benign (4x). Based on the evidence outlined above, the variant was classified as benign.

Color Diagnostics, LLC DBA Color Health
Classification: Likely benign for Hereditary cancer-predisposing syndrome. Last evaluated: 2016-03-21. Review status: criteria provided, single submitter. Criteria: ACMG Guidelines, 2015. Collection method: clinical testing. Allele origin: germline.

Ambry Genetics
Classification: Likely benign for Hereditary cancer-predisposing syndrome. Last evaluated: 2016-02-18. Review status: criteria provided, single submitter. Criteria: Ambry Variant Classification Scheme 2023. Collection method: clinical testing. Allele origin: germline.

True Health Diagnostics
Classification: Likely benign for Hereditary cancer-predisposing syndrome. Last evaluated: 2018-02-20. Review status: no assertion criteria provided. Collection method: clinical testing. Allele origin: germline. Not counted in ClinVar's aggregate classification.

Literature cited by the submitters: PubMed 15298727 (cited by Quest Diagnostics Nichols Institute San Juan Capistrano and Women's Health and Genetics/Laboratory Corporation of America, LabCorp); PubMed 9856796 (cited by Quest Diagnostics Nichols Institute San Juan Capistrano and Women's Health and Genetics/Laboratory Corporation of America, LabCorp); PubMed 7614482 (cited by Quest Diagnostics Nichols Institute San Juan Capistrano and Women's Health and Genetics/Laboratory Corporation of America, LabCorp); PubMed 7632931 (cited by Women's Health and Genetics/Laboratory Corporation of America, LabCorp).

NM_000077.5(CDKN2A):c.405G>A (p.Gly135=)

Gene: CDKN2A (cyclin dependent kinase inhibitor 2A; minus strand). Cytogenetic location: 9p21.3.
Variant type: single nucleotide variant.
Coding change: c.405G>A on transcript NM_000077.5; coding-DNA position 405, G replaced by A.
Protein change: p.Gly135=; no amino-acid change (glycine 135 retained).
Molecular consequence: synonymous variant (on NM_001195132.2). On other transcripts: 3 prime UTR variant (2).
Genome position (GRCh38, 1-based): chr9:21,970,954, C>T on the plus strand (G>A on the coding strand, the complement: CDKN2A is on the minus strand). VCF-style: chr9-21970954-C-T. GRCh37 (hg19) VCF-style: chr9-21970953-C-T.
Other names: c.405G>A, p.Gly135= (NM_001195132.2, NM_000077.6); c.252G>A, p.Gly84= (NM_001363763.2); c.*49G>A (NM_058195.4); c.*328G>A (NM_058197.5).
Identifiers: ClinVar variation 383182 (VCV000383182.26), dbSNP rs751586391, ClinGen allele CA5012163.